The following is an entry in ClinVar:

ClinVar aggregate classification (germline): Uncertain significance (1 of 4 stars; one submission).

Conditions:
PHGDH deficiency. Identifiers: Orphanet 79351, MedGen C1866174, MONDO:0011152, OMIM 601815.

Submission:

Labcorp Genetics (formerly Invitae), Labcorp
Classification: Uncertain significance for PHGDH deficiency. Last evaluated: 2025-02-24. Review status: criteria provided, single submitter. Criteria: Invitae Variant Classification Sherloc (09022015). Collection method: clinical testing. Allele origin: germline.
Comment: This sequence change replaces alanine, which is neutral and non-polar, with valine, which is neutral and non-polar, at codon 412 of the PHGDH protein (p.Ala412Val). This variant is not present in population databases (gnomAD no frequency). This variant has not been reported in the literature in individuals affected with PHGDH-related conditions. ClinVar contains an entry for this variant (Variation ID: 1972308). An algorithm developed to predict the effect of missense changes on protein structure and function outputs the following: PolyPhen-2: "Benign". The valine amino acid residue is found in multiple mammalian species, which suggests that this missense change does not adversely affect protein function. In summary, the available evidence is currently insufficient to determine the role of this variant in disease. Therefore, it has been classified as a Variant of Uncertain Significance.

NM_006623.4(PHGDH):c.1235C>T (p.Ala412Val)

Gene: PHGDH (phosphoglycerate dehydrogenase; plus strand). Cytogenetic location: 1p12.
Variant type: single nucleotide variant.
Coding change: c.1235C>T on transcript NM_006623.4 (MANE Select); coding-DNA position 1235, C replaced by T.
Protein change: p.Ala412Val; replaces alanine 412 with valine.
Molecular consequence: missense variant.
Genome position (GRCh38, 1-based): chr1:119,742,832, C>T. VCF-style: chr1-119742832-C-T. GRCh37 (hg19) VCF-style: chr1-120285455-C-T.
Other names: short protein forms A412V.
Identifiers: ClinVar variation 1972308 (VCV001972308.3), dbSNP rs2464203043, ClinGen allele CA341853504.